The following is an entry in ClinVar:

NM_001322934.2(NFKB2):c.429GAA[1] (p.Lys144del)

Gene: NFKB2 (nuclear factor kappa B subunit 2; plus strand). Cytogenetic location: 10q24.32.
Variant type: Microsatellite.
Coding change: c.429GAA[1] on transcript NM_001322934.2 (MANE Select); one copy of the 3-base unit GAA starting at c.429; the reference has two copies in a row; one copy, 3 bases deleted.
Protein change: p.Lys144del; deletes lysine 144.
Genome position (GRCh38, 1-based): chr10:102,397,338-102,397,340, GAA deleted; deleting any 3 consecutive bases within chr10:102,397,333-102,397,340 gives the same sequence; the position shown is the placement nearest the transcript's 3' end. VCF-style (leftmost placement, unchanged base first): chr10-102397332-TAAG-T. GRCh37 (hg19) VCF-style: chr10-104157089-TAAG-T.
Other names: c.429GAA[1], p.Lys144del (NM_001077494.3, NM_001261403.3, NM_001288724.1 and 2 more transcripts); c.432_434del (NM_001077494.3); short protein forms K144del.
Identifiers: ClinVar variation 4530787 (VCV004530787.1).

ClinVar aggregate classification (germline): Uncertain significance (1 of 4 stars; one submission).

Submission:

GeneDx
Classification: Uncertain significance. Last evaluated: 2025-05-21. Review status: criteria provided, single submitter. Criteria: GeneDx Variant Classification Process June 2021. Collection method: clinical testing. Allele origin: germline. Affected: yes.
Comment: Not observed at significant frequency in large population cohorts (gnomAD); In-frame deletion of 1 amino acid(s) in a non-repeat region; In silico analysis supports a deleterious effect on protein structure/function; Has not been previously published as pathogenic or benign to our knowledge